The following is an entry in ClinVar:

NM_020401.4(NUP107):c.2503-2A>G

Gene: NUP107 (nucleoporin 107; plus strand). Cytogenetic location: 12q15.
Variant type: single nucleotide variant.
Coding change: c.2503-2A>G on transcript NM_020401.4 (MANE Select); the canonical splice acceptor site of the intron before coding-DNA position 2503, A replaced by G.
Molecular consequence: splice acceptor variant.
Genome position (GRCh38, 1-based): chr12:68,741,811, A>G. VCF-style: chr12-68741811-A-G. GRCh37 (hg19) VCF-style: chr12-69135591-A-G.
Other names: c.2416-2A>G (NM_001330192.2).
Identifiers: ClinVar variation 5005156 (VCV005005156.2).
Genomic context (GRCh38, chr12:68,741,811, plus strand): 5'-TTTCTTTTTGTAAGGATCTTTAGCTTAAATTGTTAAAATGATTTATTGATGTCTGTTTGT[A>G]GGATGCCAAAGAAGACCATGAAAGAACACATCAAATGGTCTTACTGAGAAAGCTTTGTCT-3'

ClinVar aggregate classification (germline): Uncertain significance (1 of 4 stars; one submission).

Conditions:
Ovarian dysgenesis 6. Identifiers: MedGen C4748084, MONDO:0054850, OMIM 618078.
Galloway-Mowat syndrome 7. Identifiers: MedGen C5193044, MONDO:0032692, OMIM 618348.
Nephrotic syndrome, type 11 (NPHS11). Identifiers: Orphanet 656, MedGen C4225228, MONDO:0014752, OMIM 616730.

gnomAD v4.1: 1 of 1,609,398 alleles (0.000062%); highest among the groups gnomAD compares: Non-Finnish European, 0.000085%; no homozygotes.

Submission:

Juno Genomics, Hangzhou Juno Genomics, Inc
Classification: Uncertain significance for Ovarian dysgenesis 6; Galloway-Mowat syndrome 7; Nephrotic syndrome, type 11. Review status: criteria provided, single submitter. Criteria: ACMG Guidelines, 2015. Collection method: clinical testing. Allele origin: germline.
Comment: Null variant in a gene where loss of function (LOF) is a known mechanism of disease.;Absent from controls (or at extremely low frequency if recessive) in Genome Aggregation Database.